The following is an entry in ClinVar:

NM_014000.3(VCL):c.2608G>A (p.Val870Ile)

Gene: VCL (vinculin; plus strand). Cytogenetic location: 10q22.2.
Variant type: single nucleotide variant.
Coding change: c.2608G>A on transcript NM_014000.3 (MANE Select); coding-DNA position 2608, G replaced by A.
Protein change: p.Val870Ile; replaces valine 870 with isoleucine.
Molecular consequence: missense variant.
Genome position (GRCh38, 1-based): chr10:74,109,019, G>A. VCF-style: chr10-74109019-G-A. GRCh37 (hg19) VCF-style: chr10-75868777-G-A.
Other names: c.2608G>A, p.Val870Ile (NM_003373.4); short protein forms V870I.
Identifiers: ClinVar variation 1964096 (VCV001964096.5), dbSNP rs991793227, ClinGen allele CA209696659.
Genomic context (GRCh38, chr10:74,109,019, plus strand): 5'-TCTCTTTTTTAGCTAACAGATGAGCTTGCTCCTCCCAAACCACCTCTGCCTGAAGGTGAG[G>A]TCCCTCCACCTAGGCCTCCACCACCAGAGGAAAAGGATGAAGAGTTCCCTGAGCAGAAGG-3'
Protein context (NP_054706.1, residues 860-880): PPKPPLPEGE[Val870Ile]PPPRPPPPEE

ClinVar aggregate classification (germline): Uncertain significance (1 of 4 stars; one submission).

Conditions:
Dilated cardiomyopathy 1W (CMD1W). Identifiers: Orphanet 154, MedGen C1969639, MONDO:0012667, OMIM 611407.

Allele frequency attached by ClinVar (database versions not stated): gnomAD exomes below 0.00001; TOPMed below 0.00001.

Submission:

Labcorp Genetics (formerly Invitae), Labcorp
Classification: Uncertain significance for Dilated cardiomyopathy 1W. Last evaluated: 2024-05-20. Review status: criteria provided, single submitter. Criteria: Invitae Variant Classification Sherloc (09022015). Collection method: clinical testing. Allele origin: germline.
Comment: This sequence change replaces valine, which is neutral and non-polar, with isoleucine, which is neutral and non-polar, at codon 870 of the VCL protein (p.Val870Ile). This variant is present in population databases (no rsID available, gnomAD 0.03%). This variant has not been reported in the literature in individuals affected with VCL-related conditions. ClinVar contains an entry for this variant (Variation ID: 1964096). An algorithm developed to predict the effect of missense changes on protein structure and function (PolyPhen-2) suggests that this variant is likely to be disruptive. In summary, the available evidence is currently insufficient to determine the role of this variant in disease. Therefore, it has been classified as a Variant of Uncertain Significance.